The following is an entry in ClinVar:

ClinVar aggregate classification (germline): Benign. Review status: criteria provided, multiple submitters, no conflicts (2 of 4 stars). 2 submissions from 2 submitters: Benign (2). Last evaluated 2016-03-28.

Allele frequency attached by ClinVar (database versions not stated): ESP Exome Variant Server 0.18861; TOPMed 0.21044; gnomAD 0.21377 and 0.21764; gnomAD exomes 0.22383 and 0.23778; ExAC 0.23408; 1000 Genomes Project 30x 0.25359; 1000 Genomes Project 0.26458.
gnomAD v4.1: 359,928 of 1,613,888 alleles (22%); highest among the groups gnomAD compares: East Asian, 65%; 45,181 homozygotes.

Submissions (2):

Laboratory for Molecular Medicine, Mass General Brigham Personalized Medicine
Classification: Benign. Last evaluated: 2016-03-28. Review status: criteria provided, single submitter. Criteria: LMM Criteria. Collection method: clinical testing. Allele origin: germline.
Comment: Variant identified in a genome or exome case(s) and assessed due to predicted null impact of the variant or pathogenic assertions in the literature or databases. Disclaimer: This variant has not undergone full assessment. The following are preliminary notes: MAF

Breakthrough Genomics
Classification: Benign. Review status: criteria provided, single submitter. Criteria: ACMG Guidelines, 2015. Collection method: not provided. Allele origin: germline. Inheritance: Unknown mechanism. Affected: yes.

NM_001714.4(BICD1):c.1704G>C (p.Val568=)

Gene: BICD1 (BICD cargo adaptor 1; plus strand). Cytogenetic location: 12p11.21.
Variant type: single nucleotide variant.
Coding change: c.1704G>C on transcript NM_001714.4 (MANE Select); coding-DNA position 1704, G replaced by C.
Protein change: p.Val568=; no amino-acid change (valine 568 retained).
Molecular consequence: synonymous variant. On other transcripts: non-coding transcript variant (1).
Genome position (GRCh38, 1-based): chr12:32,328,159, G>C. VCF-style: chr12-32328159-G-C. GRCh37 (hg19) VCF-style: chr12-32481093-G-C.
Other names: c.1704G>C, p.Val568= (NM_001003398.3, NM_001354186.2, NM_001354187.2 and 3 more transcripts).
Identifiers: ClinVar variation 402425 (VCV000402425.5), dbSNP rs3748275, ClinGen allele CA6506257.
Genomic context (GRCh38, chr12:32,328,159, plus strand): 5'-CCTGAAAGGGCCCGATGATCCCAGAGGACTTTTGTCCCCACGATTAGCCAGGCGGGGTGT[G>C]TCATCCCCGGTAGAAACAAGGACCTCATCTGAACCAGTTGCAAAAGAAAGCACAGAGGCC-3'
Protein context (NP_001705.2, residues 558-578): LLSPRLARRG[Val568=]SSPVETRTSS